The following is an entry in ClinVar:

ClinVar aggregate classification (germline): Uncertain significance. Review status: criteria provided, multiple submitters, no conflicts (2 of 4 stars). 2 submissions from 2 submitters: Uncertain significance (2). Last evaluated 2023-01-30.

Conditions:
Acrocallosal syndrome (ACLS). Also called: HALLUX DUPLICATION, POSTAXIAL POLYDACTYLY, AND ABSENCE OF CORPUS CALLOSUM; Schinzel syndrome 1; Absence of corpus callosum with unusual facial appearance, mental deficiency, duplication of the halluces and polydactyly. Identifiers: Orphanet 36, MedGen C0796147, MONDO:0008708, OMIM 200990.
Multiple epiphyseal dysplasia, Al-Gazali type. Also called: Macrocephaly with multiple epiphyseal dysplasia and distinctive facies. Identifiers: Orphanet 166024, MedGen C1846722, MONDO:0011778, OMIM 607131.
Hydrolethalus syndrome 2 (HLS2). Identifiers: Orphanet 2189, MedGen C3279899, MONDO:0013585, OMIM 614120.

Allele frequency attached by ClinVar (database versions not stated): 1000 Genomes Project 30x 0.00016.
gnomAD v4.1: 46 of 1,609,218 alleles (0.0029%); highest among the groups gnomAD compares: Middle Eastern, 0.017%; no homozygotes.

Submissions (2):

Department of Pathology and Laboratory Medicine, Sinai Health System
Classification: Uncertain significance for Acrocallosal syndrome; Multiple epiphyseal dysplasia, Al-Gazali type; Hydrolethalus syndrome 2. Last evaluated: 2023-01-30. Review status: criteria provided, single submitter. Criteria: ACMG Guidelines, 2015. Collection method: research. Allele origin: germline.

Labcorp Genetics (formerly Invitae), Labcorp
Classification: Uncertain significance for Acrocallosal syndrome. Last evaluated: 2021-12-08. Review status: criteria provided, single submitter. Criteria: Invitae Variant Classification Sherloc (09022015). Collection method: clinical testing. Allele origin: germline.
Comment: This sequence change replaces threonine, which is neutral and polar, with methionine, which is neutral and non-polar, at codon 846 of the KIF7 protein (p.Thr846Met). This variant is present in population databases (rs151034440, gnomAD 0.01%). This variant has not been reported in the literature in individuals affected with KIF7-related conditions. Algorithms developed to predict the effect of missense changes on protein structure and function are either unavailable or do not agree on the potential impact of this missense change (SIFT: "Deleterious"; PolyPhen-2: "Possibly Damaging"; Align-GVGD: "Class C15"). In summary, the available evidence is currently insufficient to determine the role of this variant in disease. Therefore, it has been classified as a Variant of Uncertain Significance.

NM_198525.3(KIF7):c.2537C>T (p.Thr846Met)

Gene: KIF7 (kinesin family member 7; minus strand). Cytogenetic location: 15q26.1.
Variant type: single nucleotide variant.
Coding change: c.2537C>T on transcript NM_198525.3 (MANE Select); coding-DNA position 2537, C replaced by T.
Protein change: p.Thr846Met; replaces threonine 846 with methionine.
Molecular consequence: missense variant.
Genome position (GRCh38, 1-based): chr15:89,633,741, G>A on the plus strand (C>T on the coding strand, the complement: KIF7 is on the minus strand). VCF-style: chr15-89633741-G-A. GRCh37 (hg19) VCF-style: chr15-90176972-G-A.
Other names: short protein forms T846M.
Identifiers: ClinVar variation 1449163 (VCV001449163.4), dbSNP rs151034440, ClinGen allele CA7728109.
Genomic context (GRCh38, chr15:89,633,741, plus strand): 5'-CTGACCTTGACGCGGTGCTGCCGCTTGCTCATTTCTGCCTCCAGGCGCCGCTTCTGCTCC[G>A]TCTCCTCGCGAAGCCGCCTCTGCAGCTGTCCCTGCTGCTGCCGCATGAGCTGCACGTTCC-3'
Protein context (NP_940927.2, residues 836-856): GQLQRRLREE[Thr846Met]EQKRRLEAEM